The following is an entry in ClinVar:

ClinVar aggregate classification (germline): Pathogenic (1 of 4 stars; one submission).

Submission:

Labcorp Genetics (formerly Invitae), Labcorp
Classification: Pathogenic. Last evaluated: 2023-09-17. Review status: criteria provided, single submitter. Criteria: Invitae Variant Classification Sherloc (09022015). Collection method: clinical testing. Allele origin: germline.
Comment: For these reasons, this variant has been classified as Pathogenic. This variant has not been reported in the literature in individuals affected with CPLANE1-related conditions. This variant is not present in population databases (gnomAD no frequency). This sequence change creates a premature translational stop signal (p.Met435Glufs*6) in the CPLANE1 gene. It is expected to result in an absent or disrupted protein product. Loss-of-function variants in CPLANE1 are known to be pathogenic (PMID: 24178751, 26092869).

Literature cited by the submitters: PubMed 24178751; PubMed 26092869.

NM_001384732.1(CPLANE1):c.1303_1304del (p.Met435fs)

Gene: CPLANE1 (ciliogenesis and planar polarity effector complex subunit 1; minus strand). Cytogenetic location: 5p13.2.
Variant type: Deletion.
Coding change: c.1303_1304del on transcript NM_001384732.1 (MANE Select); coding-DNA positions 1303 to 1304, 2 bases deleted (AT; older notation c.1303_1304delAT).
Protein change: p.Met435fs; shifts the reading frame from methionine 435.
Molecular consequence: frameshift variant.
Genome position (GRCh38, 1-based): chr5:37,227,635-37,227,636, AT deleted on the plus strand (AT on the coding strand, the reverse complement: CPLANE1 is on the minus strand). VCF-style (leftmost placement, unchanged base first): chr5-37227634-CAT-C. GRCh37 (hg19) VCF-style: chr5-37227736-CAT-C.
Other names: c.1303_1304del, p.Met435fs (NM_023073.4); short protein forms M435fs.
Identifiers: ClinVar variation 2802375 (VCV002802375.3), dbSNP rs2548604300, ClinGen allele CA2739274674.